The following is an entry in ClinVar:

NM_177559.3(CSNK2A1):c.151A>C (p.Ser51Arg)

Gene: CSNK2A1 (casein kinase 2 alpha 1; minus strand). Cytogenetic location: 20p13.
Variant type: single nucleotide variant.
Coding change: c.151A>C on transcript NM_177559.3 (MANE Select); coding-DNA position 151, A replaced by C.
Protein change: p.Ser51Arg; replaces serine 51 with arginine.
Molecular consequence: missense variant. On other transcripts: 5 prime UTR variant (1).
Genome position (GRCh38, 1-based): chr20:505,180, T>G on the plus strand (A>C on the coding strand, the complement: CSNK2A1 is on the minus strand). VCF-style: chr20-505180-T-G. GRCh37 (hg19) VCF-style: chr20-485824-T-G.
Other names: c.151A>C, p.Ser51Arg (NM_001362770.2, NM_001362771.2, NM_001895.4); c.-258A>C (NM_177560.3); short protein forms S51R.
Identifiers: ClinVar variation 3340574 (VCV003340574.3).

ClinVar aggregate classification (germline): Pathogenic. Review status: criteria provided, multiple submitters, no conflicts (2 of 4 stars). 2 submissions from 2 submitters: Pathogenic (2). Last evaluated 2025-11-26.

Conditions:
Okur-Chung neurodevelopmental syndrome (OCNDS). Identifiers: Orphanet 689422, MedGen C4310739, MONDO:0014893, OMIM 617062.

Submissions (2):

Clinical Genetics Laboratory, University Hospital Schleswig-Holstein
Classification: Pathogenic for Okur-Chung neurodevelopmental syndrome. Last evaluated: 2025-11-26. Review status: criteria provided, single submitter. Criteria: ACMG Guidelines, 2015. Collection method: clinical testing. Allele origin: de novo. Affected: yes. Observed: 1 heterozygote.
Comment: ACMG criteria applied: PM2, PS4_Supporting, PM5, PP3, PS3, PS2

GeneDx
Classification: Pathogenic. Last evaluated: 2024-03-23. Review status: criteria provided, single submitter. Criteria: GeneDx Variant Classification Process June 2021. Collection method: clinical testing. Allele origin: germline. Affected: yes.
Comment: Published functional studies demonstrate the variant results in reduced enzyme activity (PMID: 33944995); Not observed in large population cohorts (gnomAD); In silico analysis supports that this missense variant has a deleterious effect on protein structure/function; This variant is associated with the following publications: (PMID: 34038195, 38357263, 33944995, 29240241)